The following is an entry in ClinVar:

NM_014141.6(CNTNAP2):c.1469T>A (p.Val490Asp)

Gene: CNTNAP2 (contactin associated protein 2; plus strand). Cytogenetic location: 7q35.
Variant type: single nucleotide variant.
Coding change: c.1469T>A on transcript NM_014141.6 (MANE Select); coding-DNA position 1469, T replaced by A.
Protein change: p.Val490Asp; replaces valine 490 with aspartic acid.
Molecular consequence: missense variant.
Genome position (GRCh38, 1-based): chr7:147,300,261, T>A. VCF-style: chr7-147300261-T-A. GRCh37 (hg19) VCF-style: chr7-146997353-T-A.
Other names: short protein forms V490D.
Identifiers: ClinVar variation 1315679 (VCV001315679.10), dbSNP rs979608770, ClinGen allele CA369925289.

ClinVar aggregate classification (germline): Uncertain significance. Review status: criteria provided, multiple submitters, no conflicts (2 of 4 stars). 3 submissions from 3 submitters: Uncertain significance (3). Last evaluated 2025-08-27.

Conditions:
Inborn genetic diseases. Identifiers: MedGen C0950123, MeSH D030342.
Cortical dysplasia-focal epilepsy syndrome (PTHSL1). Also called: Pitt-Hopkins-like syndrome 1. Identifiers: Orphanet 163681, Orphanet 221150, MedGen C2750246, MONDO:0012400, OMIM 610042.

Submissions (3):

Ambry Genetics
Classification: Uncertain significance for Inborn genetic diseases. Last evaluated: 2025-08-27. Review status: criteria provided, single submitter. Criteria: Ambry Variant Classification Scheme 2023. Collection method: clinical testing. Allele origin: germline.

Labcorp Genetics (formerly Invitae), Labcorp
Classification: Uncertain significance for Cortical dysplasia-focal epilepsy syndrome. Last evaluated: 2021-02-15. Review status: criteria provided, single submitter. Criteria: Invitae Variant Classification Sherloc (09022015). Collection method: clinical testing. Allele origin: germline.
Comment: In summary, the available evidence is currently insufficient to determine the role of this variant in disease. Therefore, it has been classified as a Variant of Uncertain Significance. Algorithms developed to predict the effect of missense changes on protein structure and function are either unavailable or do not agree on the potential impact of this missense change (SIFT: "Deleterious"; PolyPhen-2: "Possibly Damaging"; Align-GVGD: "Class C0"). This variant has not been reported in the literature in individuals with CNTNAP2-related conditions. This variant is not present in population databases (ExAC no frequency). This sequence change replaces valine with aspartic acid at codon 490 of the CNTNAP2 protein (p.Val490Asp). The valine residue is moderately conserved and there is a large physicochemical difference between valine and aspartic acid.

GeneDx
Classification: Uncertain significance. Last evaluated: 2020-03-07. Review status: criteria provided, single submitter. Criteria: GeneDx Variant Classification Process June 2021. Collection method: clinical testing. Allele origin: germline. Affected: yes.
Comment: Not observed in large population cohorts (Lek et al., 2016); In silico analysis supports that this missense variant has a deleterious effect on protein structure/function; Has not been previously published as pathogenic or benign to our knowledge